The following is an entry in ClinVar:

NM_005502.4(ABCA1):c.4654A>T (p.Asn1552Tyr)

Gene: ABCA1 (ATP binding cassette subfamily A member 1; minus strand). Cytogenetic location: 9q31.1.
Variant type: single nucleotide variant.
Coding change: c.4654A>T on transcript NM_005502.4 (MANE Select); coding-DNA position 4654, A replaced by T.
Protein change: p.Asn1552Tyr; replaces asparagine 1552 with tyrosine.
Molecular consequence: missense variant.
Genome position (GRCh38, 1-based): chr9:104,802,098, T>A on the plus strand (A>T on the coding strand, the complement: ABCA1 is on the minus strand). VCF-style: chr9-104802098-T-A. GRCh37 (hg19) VCF-style: chr9-107564379-T-A.
Other names: short protein forms N1552Y.
Identifiers: ClinVar variation 2237604 (VCV002237604.3), dbSNP rs1364623175, ClinGen allele CA374314980.
Genomic context (GRCh38, chr9:104,802,098, plus strand): 5'-ACGATAGATATTTTACCTTGGCCAGCTTTAGGTGTTTCTTCATTTGTTTGATGGCATCAT[T>A]AACTTCTTGACTCGGAGGAAGTGCTTGAGTATTACTGACACCCAGGGAAAAGCCGCCATA-3'
Protein context (NP_005493.2, residues 1542-1562): TQALPPSQEV[Asn1552Tyr]DAIKQMKKHL

ClinVar aggregate classification (germline): Uncertain significance (1 of 4 stars; one submission).

Conditions:
Cardiovascular phenotype. Identifiers: MedGen CN230736.

Allele frequency attached by ClinVar (database versions not stated): TOPMed below 0.00001; gnomAD 0.00001; gnomAD exomes 0.00001.
gnomAD v4.1: 5 of 1,614,106 alleles (0.00031%); highest among the groups gnomAD compares: African/African-American, 0.0067%; no homozygotes.

Submission:

Ambry Genetics
Classification: Uncertain significance for Cardiovascular phenotype. Last evaluated: 2025-06-22. Review status: criteria provided, single submitter. Criteria: Ambry Variant Classification Scheme 2023. Collection method: clinical testing. Allele origin: germline.
Comment: The p.N1552Y variant (also known as c.4654A>T), located in coding exon 33 of the ABCA1 gene, results from an A to T substitution at nucleotide position 4654. The asparagine at codon 1552 is replaced by tyrosine, an amino acid with dissimilar properties. This amino acid position is conserved. In addition, this alteration is predicted to be tolerated by in silico analysis. Since supporting evidence is limited at this time, the clinical significance of this alteration remains unclear.